The following is an entry in ClinVar:

ClinVar aggregate classification (germline): Uncertain significance (1 of 4 stars; one submission).

Allele frequency attached by ClinVar (database versions not stated): gnomAD exomes below 0.00001; TOPMed 0.00001.
gnomAD v4.1: 2 of 1,591,906 alleles (0.00013%); highest among the groups gnomAD compares: Non-Finnish European, 0.00017%; no homozygotes.

Submission:

Labcorp Genetics (formerly Invitae), Labcorp
Classification: Uncertain significance. Last evaluated: 2021-02-16. Review status: criteria provided, single submitter. Criteria: Invitae Variant Classification Sherloc (09022015). Collection method: clinical testing. Allele origin: germline.
Comment: This variant has not been reported in the literature in individuals with SRP54-related conditions. This sequence change replaces threonine with isoleucine at codon 97 of the SRP54 protein (p.Thr97Ile). The threonine residue is highly conserved and there is a moderate physicochemical difference between threonine and isoleucine. This variant is not present in population databases (ExAC no frequency). Algorithms developed to predict the effect of missense changes on protein structure and function (SIFT, PolyPhen-2, Align-GVGD) all suggest that this variant is likely to be tolerated, but these predictions have not been confirmed by published functional studies and their clinical significance is uncertain. In summary, the available evidence is currently insufficient to determine the role of this variant in disease. Therefore, it has been classified as a Variant of Uncertain Significance.

NM_003136.4(SRP54):c.290C>T (p.Thr97Ile)

Gene: SRP54 (signal recognition particle 54; plus strand). Cytogenetic location: 14q13.2.
Variant type: single nucleotide variant.
Coding change: c.290C>T on transcript NM_003136.4 (MANE Select); coding-DNA position 290, C replaced by T.
Protein change: p.Thr97Ile; replaces threonine 97 with isoleucine.
Molecular consequence: missense variant.
Genome position (GRCh38, 1-based): chr14:35,007,317, C>T. VCF-style: chr14-35007317-C-T. GRCh37 (hg19) VCF-style: chr14-35476523-C-T.
Other names: c.143C>T, p.Thr48Ile (NM_001146282.2); short protein forms T48I, T97I.
Identifiers: ClinVar variation 1359222 (VCV001359222.8), dbSNP rs1366664904, ClinGen allele CA389438869.
Genomic context (GRCh38, chr14:35,007,317, plus strand): 5'-ATTTTTAATTTATTTTTGGTATTTAGCTTGTAGACCCTGGAGTTAAGGCATGGACACCCA[C>T]TAAAGGAAAACAAAATGTGATTATGTTTGTTGGATTGCAAGGGAGTGGTAAAACAACAAC-3'
Protein context (NP_003127.1, residues 87-107): VDPGVKAWTP[Thr97Ile]KGKQNVIMFV